The following is an entry in ClinVar:

ClinVar aggregate classification (germline): Uncertain significance (1 of 4 stars; one submission).

Conditions:
Cardiovascular phenotype. Identifiers: MedGen CN230736.

Submission:

Ambry Genetics
Classification: Uncertain significance for Cardiovascular phenotype. Last evaluated: 2024-02-17. Review status: criteria provided, single submitter. Criteria: Ambry Variant Classification Scheme 2023. Collection method: clinical testing. Allele origin: germline.
Comment: The p.L3740V variant (also known as c.11218C>G), located in coding exon 26 of the APOB gene, results from a C to G substitution at nucleotide position 11218. The leucine at codon 3740 is replaced by valine, an amino acid with highly similar properties. This amino acid position is conserved. In addition, this alteration is predicted to be tolerated by in silico analysis. Based on the available evidence, the clinical significance of this alteration remains unclear.

NM_000384.3(APOB):c.11218C>G (p.Leu3740Val)

Gene: APOB (apolipoprotein B; minus strand). Cytogenetic location: 2p24.1.
Variant type: single nucleotide variant.
Coding change: c.11218C>G on transcript NM_000384.3 (MANE Select); coding-DNA position 11218, C replaced by G.
Protein change: p.Leu3740Val; replaces leucine 3740 with valine.
Molecular consequence: missense variant.
Genome position (GRCh38, 1-based): chr2:21,005,650, G>C on the plus strand (C>G on the coding strand, the complement: APOB is on the minus strand). VCF-style: chr2-21005650-G-C. GRCh37 (hg19) VCF-style: chr2-21228522-G-C.
Other names: short protein forms L3740V.
Identifiers: ClinVar variation 3231364 (VCV003231364.1), dbSNP rs2465357440, ClinGen allele CA345980475.